The following is an entry in ClinVar:

NM_001042492.3(NF1):c.4197G>T (p.Gln1399His)

Gene: NF1 (neurofibromin 1; plus strand). Cytogenetic location: 17q11.2.
Variant type: single nucleotide variant.
Coding change: c.4197G>T on transcript NM_001042492.3 (MANE Select); coding-DNA position 4197, G replaced by T.
Protein change: p.Gln1399His; replaces glutamine 1399 with histidine.
Molecular consequence: missense variant.
Genome position (GRCh38, 1-based): chr17:31,258,367, G>T. VCF-style: chr17-31258367-G-T. GRCh37 (hg19) VCF-style: chr17-29585385-G-T.
Other names: c.4134G>T, p.Gln1378His (NM_000267.4); short protein forms Q1399H, Q1378H.
Identifiers: ClinVar variation 527563 (VCV000527563.13), dbSNP rs1355988609, ClinGen allele CA398997598.

ClinVar aggregate classification (germline): Conflicting classifications of pathogenicity. Review status: criteria provided, conflicting classifications (1 of 4 stars). 4 submissions from 4 submitters: Uncertain significance (3); Likely benign (1). Last evaluated 2025-01-26.

Conditions:
Cardiovascular phenotype. Identifiers: MedGen CN230736.
Hereditary cancer-predisposing syndrome. Also called: Neoplastic Syndromes, Hereditary; Tumor predisposition; Hereditary neoplastic syndrome; Hereditary Cancer Syndrome. Identifiers: Orphanet 140162, MedGen C0027672, MeSH D009386, MONDO:0015356.
Neurofibromatosis, type 1 (NF1). Also called: VON RECKLINGHAUSEN DISEASE; NEUROFIBROMATOSIS, TYPE I, SOMATIC; Peripheral type neurofibromatosis; Neurofibromatosis, type I. Identifiers: Orphanet 636, MedGen C0027831, MONDO:0018975, OMIM 162200. Disease mechanism: loss of function.
Juvenile myelomonocytic leukemia (JMML). Also called: LEUKEMIA, JUVENILE MYELOMONOCYTIC, SOMATIC. Identifiers: Orphanet 86834, MedGen C0349639, MONDO:0011908, OMIM 607785, HP:0012209.
Café-au-lait macules with pulmonary stenosis (WTSN). Also called: PULMONIC STENOSIS WITH CAFE-AU-LAIT SPOTS. Identifiers: MedGen C0553586, MONDO:0008672, OMIM 193520.
Neurofibromatosis-Noonan syndrome (NFNS). Also called: NEUROFIBROMATOSIS WITH NOONAN PHENOTYPE. Identifiers: Orphanet 638, MedGen C2931482, MONDO:0011035, OMIM 601321. Disease mechanism: loss of function.
Neurofibromatosis, familial spinal (FSNF). Identifiers: Orphanet 636, MedGen C1834235, MONDO:0008078, OMIM 162210. Disease mechanism: loss of function.

Allele frequency attached by ClinVar (database versions not stated): gnomAD exomes below 0.00001.
gnomAD v4.1: 1 of 1,613,766 alleles (0.000062%); highest among the groups gnomAD compares: Non-Finnish European, 0.000085%; no homozygotes.

Submissions (4):

Labcorp Genetics (formerly Invitae), Labcorp
Classification: Likely benign for Neurofibromatosis, type 1. Last evaluated: 2025-01-26. Review status: criteria provided, single submitter. Criteria: Invitae Variant Classification Sherloc (09022015). Collection method: clinical testing. Allele origin: germline.

Baylor Genetics
Classification: Uncertain significance for Juvenile myelomonocytic leukemia. Last evaluated: 2024-03-06. Review status: criteria provided, single submitter. Criteria: ACMG Guidelines, 2015. Collection method: clinical testing. Allele origin: unknown.

Fulgent Genetics
Classification: Uncertain significance for Neurofibromatosis, type 1; Neurofibromatosis, familial spinal; Café-au-lait macules with pulmonary stenosis; Neurofibromatosis-Noonan syndrome; Juvenile myelomonocytic leukemia. Last evaluated: 2024-01-22. Review status: criteria provided, single submitter. Criteria: ACMG Guidelines, 2015. Collection method: clinical testing. Allele origin: germline.

Ambry Genetics
Classification: Uncertain significance for Cardiovascular phenotype; Hereditary cancer-predisposing syndrome. Last evaluated: 2023-12-20. Review status: criteria provided, single submitter. Criteria: Ambry Variant Classification Scheme 2023. Collection method: clinical testing. Allele origin: germline.
Comment: The p.Q1378H variant (also known as c.4134G>T), located in coding exon 31 of the NF1 gene, results from a G to T substitution at nucleotide position 4134. The glutamine at codon 1378 is replaced by histidine, an amino acid with highly similar properties. This amino acid position is highly conserved in available vertebrate species. In addition, this alteration is predicted to be deleterious by in silico analysis. Since supporting evidence is limited at this time, the clinical significance of this alteration remains unclear.